The following is an entry in ClinVar:

NM_020433.5(JPH2):c.2074G>A (p.Val692Ile)

Gene: JPH2 (junctophilin 2; minus strand). Cytogenetic location: 20q13.12.
Variant type: single nucleotide variant.
Coding change: c.2074G>A on transcript NM_020433.5 (MANE Select); coding-DNA position 2074, G replaced by A.
Protein change: p.Val692Ile; replaces valine 692 with isoleucine.
Molecular consequence: missense variant.
Genome position (GRCh38, 1-based): chr20:44,114,813, C>T on the plus strand (G>A on the coding strand, the complement: JPH2 is on the minus strand). VCF-style: chr20-44114813-C-T. GRCh37 (hg19) VCF-style: chr20-42743453-C-T.
Other names: short protein forms V692I.
Identifiers: ClinVar variation 2447031 (VCV002447031.6), dbSNP rs917413698, ClinGen allele CA314642014.
Genomic context (GRCh38, chr20:44,114,813, plus strand): 5'-CAACCCCTCCTCCAGCCAGCTGGCTGCACCTGGTAAGCGACGGTCAGGTCAGGAGGTGAA[C>T]AAAGAGGATGGCCAGGCCGATGTTCAGCAGGATCACCATGCAGATGAGGATGGTGTTGGG-3'
Protein context (NP_065166.2, residues 682-696): LLNIGLAILF[Val692Ile]HLLT

ClinVar aggregate classification (germline): Uncertain significance. Review status: criteria provided, multiple submitters, no conflicts (2 of 4 stars). 4 submissions from 4 submitters: Uncertain significance (4). Last evaluated 2025-09-17.

Conditions:
Cardiovascular phenotype. Identifiers: MedGen CN230736.
Hypertrophic cardiomyopathy 17. Identifiers: MedGen C3151264, MONDO:0013474, OMIM 613873.
Cardiomyopathy, dilated, 2E. Identifiers: MedGen C5561970, MONDO:0030366, OMIM 619492.
JPH2-related disorder. Also called: JPH2-related condition.

Allele frequency attached by ClinVar (database versions not stated): gnomAD 0.00003.
gnomAD v4.1: 18 of 1,606,216 alleles (0.0011%); highest among the groups gnomAD compares: African/African-American, 0.0067%; no homozygotes.

Submissions (4):

PreventionGenetics, part of Exact Sciences
Classification: Uncertain significance for JPH2-related condition. Last evaluated: 2025-09-17. Review status: criteria provided, single submitter. Criteria: ACMG Guidelines, 2015. Collection method: clinical testing. Allele origin: germline.
Comment: The JPH2 c.2074G>A variant is predicted to result in the amino acid substitution p.Val692Ile. To our knowledge, this variant has not been reported in the literature or in a large population database (gnomAD), indicating this variant is rare. At this time, the clinical significance of this variant is uncertain due to the absence of conclusive functional and genetic evidence.

Ambry Genetics
Classification: Uncertain significance for Cardiovascular phenotype. Last evaluated: 2025-06-10. Review status: criteria provided, single submitter. Criteria: Ambry Variant Classification Scheme 2023. Collection method: clinical testing. Allele origin: germline.
Comment: The p.V692I variant (also known as c.2074G>A), located in coding exon 5 of the JPH2 gene, results from a G to A substitution at nucleotide position 2074. The valine at codon 692 is replaced by isoleucine, an amino acid with highly similar properties. This amino acid position is conserved. In addition, this alteration is predicted to be tolerated by in silico analysis. Since supporting evidence is limited at this time, the clinical significance of this alteration remains unclear.

GeneDx
Classification: Uncertain significance. Last evaluated: 2024-05-08. Review status: criteria provided, single submitter. Criteria: GeneDx Variant Classification Process June 2021. Collection method: clinical testing. Allele origin: germline. Affected: yes.
Comment: Not observed at significant frequency in large population cohorts (gnomAD); In silico analysis indicates that this missense variant does not alter protein structure/function; Has not been previously published as pathogenic or benign to our knowledge

Department of Pathology and Laboratory Medicine, Sinai Health System
Classification: Uncertain significance for Hypertrophic cardiomyopathy 17; Cardiomyopathy, dilated, 2E. Last evaluated: 2021-12-20. Review status: criteria provided, single submitter. Criteria: ACMG Guidelines, 2015. Collection method: research. Allele origin: germline.